The following is an entry in ClinVar:

ClinVar aggregate classification (germline): Pathogenic. Review status: criteria provided, multiple submitters, no conflicts (2 of 4 stars). 15 submissions from 15 submitters: Pathogenic (13). 2 of the submissions do not count toward it. Last evaluated 2026-08-14.

Conditions:
PKD2-related disorder. Also called: PKD2-related condition.
Autosomal dominant polycystic kidney disease. Identifiers: Orphanet 730, MedGen C0085413, MONDO:0004691.
Polycystic kidney disease. Also called: Polycystic kidney dysplasia; Kidney, Polycystic. Identifiers: MedGen C0022680, MeSH D007690, MONDO:0020642, HP:0000113.
Cystic renal disease.
Inborn genetic diseases. Identifiers: MedGen C0950123, MeSH D030342.
Polycystic kidney disease 2 (PKD2). Also called: POLYCYSTIC KIDNEY DISEASE 2 WITH OR WITHOUT POLYCYSTIC LIVER DISEASE; Polycystic Kidney Disease 2, Autosomal Dominant; POLYCYSTIC KIDNEY DISEASE, ADULT, TYPE II. Identifiers: MedGen C2751306, MONDO:0013131, OMIM 613095.

Allele frequency attached by ClinVar (database versions not stated): TOPMed 0.00001.
gnomAD v4.1: 2 of 1,613,846 alleles (0.00012%); highest among the groups gnomAD compares: Admixed American, 0.0017%; no homozygotes.

Submissions 1 to 11 of 15:

GeneDx
Classification: Pathogenic. Last evaluated: 2026-08-14. Review status: criteria provided, single submitter. Criteria: GeneDx Variant Classification Process June 2021. Collection method: clinical testing. Allele origin: germline.
Comment: Nonsense variant predicted to result in protein truncation or nonsense mediated decay in a gene for which loss of function is a known mechanism of disease; This variant is associated with the following publications: (PMID: 25491204, 15717641, 33437033, 27165007, 39843441, 25525159, 17100995, 11438989, 21115670, 20950398, 15775720, 22508176, 32361310, 31740684, 39411402, 34101167, 29055226, 30639418, 36938073, 35778421, 35370030, 37509056, 32533764, 39291187, 15192819)

Medical and Scientific Branch, Hong Kong Genome Institute
Classification: Pathogenic for Polycystic kidney disease 2. Last evaluated: 2026-01-26. Review status: criteria provided, single submitter. Criteria: ACMG Guidelines, 2015. Collection method: clinical testing. Allele origin: unknown. Affected: yes.

Genetics Laboratory, Great Ormond Street Hospital NHS Foundation Trust, North Thames Genomic Laboratory Hub
Classification: Pathogenic for Cystic renal disease. Last evaluated: 2026-01-09. Review status: criteria provided, single submitter. Criteria: ACGS Best Practice Guidelines for Variant Classification in Rare Disease 2024 v1.2. Collection method: clinical testing. Allele origin: germline. Affected: yes.
Comment: PS4_moderate, PM2_moderate, PVS1_very-strong

Victorian Clinical Genetics Services, Murdoch Childrens Research Institute
Classification: Pathogenic for Polycystic kidney disease 2. Last evaluated: 2025-05-19. Review status: criteria provided, single submitter. Criteria: ACMG Guidelines, 2015. Collection method: clinical testing. Allele origin: germline. Affected: yes.
Comment: This variant is classified as Pathogenic. Evidence in support of pathogenic classification: Variant is predicted to cause nonsense-mediated decay (NMD) and loss of protein (premature termination codon is located at least 54 nucleotides upstream of the final exon-exon junction); Variant is present in gnomAD (v2) <0.001 for a dominant condition (3 heterozygotes, 0 homozygotes); This variant has strong previous evidence of pathogenicity in unrelated individuals. This variant has been reported as pathogenic by clinical laboratories in ClinVar, and observed in multiple publications in families with PKD, including one individual with sinus bradycardia and other cardiac anomalies (ClinVar, pkdb, PMID: 30639418, PMID: 25491204); Other NMD-predicted variants comparable to the one identified in this case have very strong previous evidence for pathogenicity (DECIPHER). Additional information: This variant is heterozygous; This gene is associated with autosomal dominant disease; Loss of function is a known mechanism of disease in this gene and is associated with polycystic kidney disease 2 (MIM#613095); Inheritance information for this variant is not currently available in this individual.

Division of Genetic & Genomic Pathology, Hong Kong Children's Hospital
Classification: Pathogenic for Polycystic kidney disease 2. Last evaluated: 2025-05-15. Review status: criteria provided, single submitter. Criteria: ACMG Guidelines, 2015. Collection method: clinical testing. Allele origin: germline. Affected: yes.
Comment: The PKD2 variant c.2407C>T creates a premature stop codon in exon 13 (out of 15 exons), and is predicted to result in loss of protein function by nonsense-mediated mRNA decay. The variant is present at a very low frequency in control populations (gnomAD v4.1.0: 2 in 1,613,846 alleles). The variant has been reported in multiple unrelated patients with polycystic kidney disease (PMID: 27165007, 31740684, and 34101167; ClinVar accession: VCV000618321.28). The variant has also been reported to segregate with polycystic kidney disease in a family with five affected members (PMID: 32533764). For these reasons, the PKD2 variant c.2407C>T is classified as pathogenic.

Women's Health and Genetics/Laboratory Corporation of America, LabCorp
Classification: Pathogenic for Polycystic kidney disease 2. Last evaluated: 2025-05-13. Review status: criteria provided, single submitter. Criteria: LabCorp Variant Classification Summary - May 2015. Collection method: clinical testing. Allele origin: germline.
Comment: Variant summary: PKD2 c.2407C>T (p.Arg803X) results in a premature termination codon, predicted to cause a truncation of the encoded protein or absence of the protein due to nonsense mediated decay, which are commonly known mechanisms for disease. The variant allele was found at a frequency of 1.2e-05 in 251064 control chromosomes (gnomAD). c.2407C>T has been observed in numerous individuals affected with Polycystic Kidney Disease 2, and was reported as a founder variant, being the most common mutation of polycystic kidney disease in Taiwan (Yu_2022). These data indicate that the variant is very likely to be associated with disease. To our knowledge, no experimental evidence demonstrating an impact on protein function has been reported. The following publication have been ascertained in the context of this evaluation (PMID: 35778421). ClinVar contains an entry for this variant (Variation ID: 618321). Based on the evidence outlined above, the variant was classified as pathogenic.

Ambry Genetics
Classification: Pathogenic for Inborn genetic diseases. Last evaluated: 2025-03-24. Review status: criteria provided, single submitter. Criteria: Ambry Variant Classification Scheme 2023. Collection method: clinical testing. Allele origin: germline.
Comment: The c.2407C>T (p.R803*) alteration, located in exon 13 (coding exon 13) of the PKD2 gene, consists of a C to T substitution at nucleotide position 2407. This changes the amino acid from a arginine (R) to a stop codon at amino acid position 803. This alteration is expected to result in loss of function by premature protein truncation or nonsense-mediated mRNA decay. Based on data from gnomAD, the T allele has an overall frequency of 0.001% (3/251064) total alleles studied. The highest observed frequency was 0.016% (3/18352) of East Asian alleles. This variant was reported in individuals with features consistent with PKD2-related polycystic kidney disease and segregated with disease in at least one family (Lindemann, 2023; Yu, 2022; Xu, 2021; Kim, 2019; Mallawaarachchi, 2006). Based on the available evidence, this alteration is classified as pathogenic.

Fulgent Genetics
Classification: Pathogenic for Polycystic kidney disease 2. Last evaluated: 2024-03-12. Review status: criteria provided, single submitter. Criteria: ACMG Guidelines, 2015. Collection method: clinical testing. Allele origin: germline.

Labcorp Genetics (formerly Invitae), Labcorp
Classification: Pathogenic for Autosomal dominant polycystic kidney disease. Last evaluated: 2023-12-25. Review status: criteria provided, single submitter. Criteria: Invitae Variant Classification Sherloc (09022015). Collection method: clinical testing. Allele origin: germline.
Comment: This sequence change creates a premature translational stop signal (p.Arg803*) in the PKD2 gene. It is expected to result in an absent or disrupted protein product. Loss-of-function variants in PKD2 are known to be pathogenic (PMID: 17582161, 22863349). This variant is present in population databases (rs778235410, gnomAD 0.02%). This premature translational stop signal has been observed in individual(s) with polycystic kidney disease (PMID: 31740684). ClinVar contains an entry for this variant (Variation ID: 618321). For these reasons, this variant has been classified as Pathogenic.

Blueprint Genetics
Classification: Pathogenic for PKD2-related disorders. Last evaluated: 2023-11-15. Review status: criteria provided, single submitter. Criteria: ACMG Guidelines, 2015. Collection method: clinical testing. Allele origin: germline. Affected: yes. Observed: 5 variant alleles.

MGZ Medical Genetics Center
Classification: Pathogenic for Polycystic kidney disease 2. Last evaluated: 2021-10-12. Review status: criteria provided, single submitter. Criteria: ACMG Guidelines, 2015. Collection method: clinical testing. Allele origin: germline. Affected: yes. Observed: 1 variant allele.
Comment: ACMG criteria applied: PVS1, PS4_MOD, PM2_SUP, PP4

NM_000297.4(PKD2):c.2407C>T (p.Arg803Ter)

Gene: PKD2 (polycystin 2, transient receptor potential cation channel; plus strand). Cytogenetic location: 4q22.1.
Variant type: single nucleotide variant.
Coding change: c.2407C>T on transcript NM_000297.4 (MANE Select); coding-DNA position 2407, C replaced by T.
Protein change: p.Arg803Ter; replaces arginine 803 with a stop codon.
Molecular consequence: nonsense. On other transcripts: non-coding transcript variant (1).
Genome position (GRCh38, 1-based): chr4:88,067,946, C>T. VCF-style: chr4-88067946-C-T. GRCh37 (hg19) VCF-style: chr4-88989098-C-T.
Other names: short protein forms R803*.
Identifiers: ClinVar variation 618321 (VCV000618321.37), dbSNP rs778235410, ClinGen allele CA3004244.